The following is an entry in ClinVar:

NM_001393504.1(MAST3):c.188T>C (p.Leu63Ser)

Gene: MAST3 (microtubule associated serine/threonine kinase 3; plus strand). Cytogenetic location: 19p13.11.
Variant type: single nucleotide variant.
Coding change: c.188T>C on transcript NM_001393504.1 (MANE Select); coding-DNA position 188, T replaced by C.
Protein change: p.Leu63Ser; replaces leucine 63 with serine.
Molecular consequence: missense variant.
Genome position (GRCh38, 1-based): chr19:18,121,711, T>C. VCF-style: chr19-18121711-T-C. GRCh37 (hg19) VCF-style: chr19-18232521-T-C.
Other names: c.188T>C, p.Leu63Ser (NM_001393501.1, NM_001393502.1); c.164T>C, p.Leu55Ser (NM_001393503.1, NM_001393505.1, NM_001393507.1); c.116T>C, p.Leu39Ser (NM_001393506.1, NM_001393510.1, NM_001393511.1 and 3 more transcripts); c.98T>C, p.Leu33Ser (NM_001393508.1, NM_001393509.1, NM_001393512.1 and 6 more transcripts); c.74T>C, p.Leu25Ser (NM_001393521.1); short protein forms L25S, L33S, L39S, L55S, L63S.
Identifiers: ClinVar variation 3361158 (VCV003361158.1).

ClinVar aggregate classification (germline): Uncertain significance (1 of 4 stars; one submission).

Submission:

GeneDx
Classification: Uncertain significance. Last evaluated: 2023-07-20. Review status: criteria provided, single submitter. Criteria: GeneDx Variant Classification Process June 2021. Collection method: clinical testing. Allele origin: germline. Affected: yes.
Comment: Not observed at significant frequency in large population cohorts (gnomAD); In silico analysis supports that this missense variant has a deleterious effect on protein structure/function; Has not been previously published as pathogenic or benign to our knowledge